The following is an entry in ClinVar:

NM_020366.4(RPGRIP1):c.2294G>A (p.Cys765Tyr)

Gene: RPGRIP1 (RPGR interacting protein 1; plus strand). Cytogenetic location: 14q11.2.
Variant type: single nucleotide variant.
Coding change: c.2294G>A on transcript NM_020366.4 (MANE Select); coding-DNA position 2294, G replaced by A.
Protein change: p.Cys765Tyr; replaces cysteine 765 with tyrosine.
Molecular consequence: missense variant. On other transcripts: intron variant (4).
Genome position (GRCh38, 1-based): chr14:21,325,310, G>A. VCF-style: chr14-21325310-G-A. GRCh37 (hg19) VCF-style: chr14-21793469-G-A.
Other names: c.1220G>A, p.Cys407Tyr (NM_001377948.1); c.796+585G>A (NM_001377949.1); c.689-2313G>A (NM_001377523.1, NM_001377950.1); c.191-2313G>A (NM_001377951.1); short protein forms C407Y, C765Y.
Identifiers: ClinVar variation 1011577 (VCV001011577.11), dbSNP rs1413996964, ClinGen allele CA388868551.

ClinVar aggregate classification (germline): Uncertain significance. Review status: criteria provided, multiple submitters, no conflicts (2 of 4 stars). 2 submissions from 2 submitters: Uncertain significance (2). Last evaluated 2022-07-20.

Conditions:
Leber congenital amaurosis 6 (LCA6). Identifiers: Orphanet 65, MedGen C1854260, MONDO:0013446, OMIM 613826.
Cone-rod dystrophy 13 (CORD13). Identifiers: Orphanet 1872, MedGen C2750720, MONDO:0011987, OMIM 608194.

Allele frequency attached by ClinVar (database versions not stated): gnomAD exomes below 0.00001; gnomAD 0.00001; TOPMed 0.00001.
gnomAD v4.1: 6 of 1,610,606 alleles (0.00037%); highest among the groups gnomAD compares: African/African-American, 0.0013%; no homozygotes.

Submissions (2):

Labcorp Genetics (formerly Invitae), Labcorp
Classification: Uncertain significance for Leber congenital amaurosis 6; Cone-rod dystrophy 13. Last evaluated: 2022-07-20. Review status: criteria provided, single submitter. Criteria: Invitae Variant Classification Sherloc (09022015). Collection method: clinical testing. Allele origin: germline.
Comment: In summary, the available evidence is currently insufficient to determine the role of this variant in disease. Therefore, it has been classified as a Variant of Uncertain Significance. Algorithms developed to predict the effect of missense changes on protein structure and function output the following: SIFT: "Tolerated"; PolyPhen-2: "Benign"; Align-GVGD: "Class C0". The tyrosine amino acid residue is found in multiple mammalian species, which suggests that this missense change does not adversely affect protein function. ClinVar contains an entry for this variant (Variation ID: 1011577). This variant has not been reported in the literature in individuals affected with RPGRIP1-related conditions. The frequency data for this variant in the population databases is considered unreliable, as metrics indicate poor data quality at this position in the gnomAD database. This sequence change replaces cysteine, which is neutral and slightly polar, with tyrosine, which is neutral and polar, at codon 765 of the RPGRIP1 protein (p.Cys765Tyr).

Blueprint Genetics
Classification: Uncertain significance. Last evaluated: 2019-01-07. Review status: criteria provided, single submitter. Criteria: ACMG Guidelines, 2015. Collection method: clinical testing. Allele origin: germline.